The following is an entry in ClinVar:

ClinVar aggregate classification (germline): Uncertain significance (1 of 4 stars; one submission).

Allele frequency attached by ClinVar (database versions not stated): gnomAD 0.00001; ExAC 0.00002; gnomAD exomes 0.00002; TOPMed 0.00002; ESP Exome Variant Server 0.00008.
gnomAD v4.1: 16 of 1,613,730 alleles (0.00099%); highest among the groups gnomAD compares: African/African-American, 0.0067%; 1 homozygote.

Submission:

Labcorp Genetics (formerly Invitae), Labcorp
Classification: Uncertain significance. Last evaluated: 2021-08-14. Review status: criteria provided, single submitter. Criteria: Invitae Variant Classification Sherloc (09022015). Collection method: clinical testing. Allele origin: germline.
Comment: This sequence change replaces glycine with serine at codon 258 of the C8A protein (p.Gly258Ser). The glycine residue is weakly conserved and there is a small physicochemical difference between glycine and serine. This variant is present in population databases (rs145559867, ExAC 0.01%). This variant has not been reported in the literature in individuals affected with C8A-related conditions. Algorithms developed to predict the effect of missense changes on protein structure and function output the following: SIFT: "Tolerated"; PolyPhen-2: "Benign"; Align-GVGD: "Class C0". The serine amino acid residue is found in multiple mammalian species, which suggests that this missense change does not adversely affect protein function. In summary, the available evidence is currently insufficient to determine the role of this variant in disease. Therefore, it has been classified as a Variant of Uncertain Significance.

NM_000562.3(C8A):c.772G>A (p.Gly258Ser)

Gene: C8A (complement C8 alpha chain; plus strand). Cytogenetic location: 1p32.2.
Variant type: single nucleotide variant.
Coding change: c.772G>A on transcript NM_000562.3 (MANE Select); coding-DNA position 772, G replaced by A.
Protein change: p.Gly258Ser; replaces glycine 258 with serine.
Molecular consequence: missense variant.
Genome position (GRCh38, 1-based): chr1:56,883,598, G>A. VCF-style: chr1-56883598-G-A. GRCh37 (hg19) VCF-style: chr1-57349271-G-A.
Other names: short protein forms G258S.
Identifiers: ClinVar variation 1390866 (VCV001390866.5), dbSNP rs145559867, ClinGen allele CA875159.
Genomic context (GRCh38, chr1:56,883,598, plus strand): 5'-TCCAAAGTTAAAAAAGACAAGTCTGACTCATTTGGAGTGACCATCGGCATAGGCCCAGCC[G>A]GCAGCCCTTTATTGGTGGGTGTAGGTGTATCCCACTCACAAGACACTTCATTCTTGAACG-3'
Protein context (NP_000553.1, residues 248-268): FGVTIGIGPA[Gly258Ser]SPLLVGVGVS